The following is an entry in ClinVar:

NM_152564.5(VPS13B):c.4451A>T (p.Asn1484Ile)

Gene: VPS13B (vacuolar protein sorting 13 homolog B; plus strand). Cytogenetic location: 8q22.2.
Variant type: single nucleotide variant.
Coding change: c.4451A>T on transcript NM_152564.5 (MANE Select); coding-DNA position 4451, A replaced by T.
Protein change: p.Asn1484Ile; replaces asparagine 1484 with isoleucine.
Molecular consequence: missense variant.
Genome position (GRCh38, 1-based): chr8:99,511,330, A>T. VCF-style: chr8-99511330-A-T. GRCh37 (hg19) VCF-style: chr8-100523558-A-T.
Other names: c.4526A>T (NM_017890.3); c.4451A>T (NM_152564.4); c.4526A>T, p.Asn1509Ile (NM_017890.5); short protein forms N1509I, N1484I.
Identifiers: ClinVar variation 849786 (VCV000849786.9), dbSNP rs1457753544, ClinGen allele CA371871660.

ClinVar aggregate classification (germline): Uncertain significance. Review status: criteria provided, multiple submitters, no conflicts (2 of 4 stars). 5 submissions from 5 submitters: Uncertain significance (3). 2 of the submissions do not count toward it. Last evaluated 2025-01-24.

Conditions:
VPS13B-related disorder. Also called: VPS13B-related condition.
Cohen syndrome (COH1). Also called: PEPPER SYNDROME; Cutis verticis gyrata, retinitis pigmentosa, and sensorineural deafness. Identifiers: Orphanet 193, MedGen C0265223, MONDO:0008999, OMIM 216550.
Inborn genetic diseases. Identifiers: MedGen C0950123, MeSH D030342.

Allele frequency attached by ClinVar (database versions not stated): gnomAD 0.00001; gnomAD exomes 0.00002 and 0.00003; TOPMed 0.00003.
gnomAD v4.1: 14 of 1,613,794 alleles (0.00087%); highest among the groups gnomAD compares: Admixed American, 0.023%; no homozygotes.

Submissions (5):

Ambry Genetics
Classification: Uncertain significance for Inborn genetic diseases. Last evaluated: 2025-01-24. Review status: criteria provided, single submitter. Criteria: Ambry Variant Classification Scheme 2023. Collection method: clinical testing. Allele origin: germline.

Labcorp Genetics (formerly Invitae), Labcorp
Classification: Uncertain significance for Cohen syndrome. Last evaluated: 2022-09-28. Review status: criteria provided, single submitter. Criteria: Invitae Variant Classification Sherloc (09022015). Collection method: clinical testing. Allele origin: germline.
Comment: This sequence change replaces asparagine, which is neutral and polar, with isoleucine, which is neutral and non-polar, at codon 1509 of the VPS13B protein (p.Asn1509Ile). This variant is present in population databases (no rsID available, gnomAD 0.02%). This variant has not been reported in the literature in individuals affected with VPS13B-related conditions. ClinVar contains an entry for this variant (Variation ID: 849786). Advanced modeling of protein sequence and biophysical properties (such as structural, functional, and spatial information, amino acid conservation, physicochemical variation, residue mobility, and thermodynamic stability) performed at Invitae indicates that this missense variant is not expected to disrupt VPS13B protein function. In summary, the available evidence is currently insufficient to determine the role of this variant in disease. Therefore, it has been classified as a Variant of Uncertain Significance.

Daryl Scott Lab, Baylor College of Medicine
Classification: Uncertain significance for Cohen syndrome. Review status: criteria provided, single submitter. Criteria: ACMG Guidelines, 2015. Collection method: clinical testing. Allele origin: paternal. Affected: yes. Observed: 1 compound heterozygote.
Comment: PM2

PreventionGenetics, part of Exact Sciences
Classification: Uncertain significance for VPS13B-related condition. Last evaluated: 2024-08-27. Review status: no assertion criteria provided. Collection method: clinical testing. Allele origin: germline. Not counted in ClinVar's aggregate classification.
Comment: The VPS13B c.4451A>T variant is predicted to result in the amino acid substitution p.Asn1484Ile. To our knowledge, this variant has not been reported in the literature. This variant is reported in 0.020% of alleles in individuals of Latino descent in gnomAD. At this time, the clinical significance of this variant is uncertain due to the absence of conclusive functional and genetic evidence.

Natera, Inc.
Classification: Uncertain significance for Cohen syndrome. Last evaluated: 2020-09-16. Review status: no assertion criteria provided. Collection method: clinical testing. Allele origin: germline. Not counted in ClinVar's aggregate classification.